The following is an entry in ClinVar:

ClinVar aggregate classification (germline): Uncertain significance (1 of 4 stars; one submission).

Conditions:
Brugada syndrome. Also called: Sudden unexplained nocturnal death syndrome; Sudden unexpected nocturnal death syndrome; Sudden Unexplained Death Syndrome; Sudden Unexplained Nocturnal Death Syndrome (SUNDS). Identifiers: Orphanet 130, MedGen C1142166, MONDO:0015263.

Submission:

Labcorp Genetics (formerly Invitae), Labcorp
Classification: Uncertain significance for Brugada syndrome. Last evaluated: 2023-09-08. Review status: criteria provided, single submitter. Criteria: Invitae Variant Classification Sherloc (09022015). Collection method: clinical testing. Allele origin: germline.
Comment: This sequence change replaces alanine, which is neutral and non-polar, with serine, which is neutral and polar, at codon 38 of the KCNJ8 protein (p.Ala38Ser). This variant is not present in population databases (gnomAD no frequency). This variant has not been reported in the literature in individuals affected with KCNJ8-related conditions. ClinVar contains an entry for this variant (Variation ID: 532107). Advanced modeling of protein sequence and biophysical properties (such as structural, functional, and spatial information, amino acid conservation, physicochemical variation, residue mobility, and thermodynamic stability) performed at Invitae indicates that this missense variant is not expected to disrupt KCNJ8 protein function. In summary, the available evidence is currently insufficient to determine the role of this variant in disease. Therefore, it has been classified as a Variant of Uncertain Significance.

NM_004982.4(KCNJ8):c.112G>T (p.Ala38Ser)

Genes: KCNJ8 (potassium inwardly rectifying channel subfamily J member 8; minus strand), KCNJ8-AS1 (KCNJ8 antisense RNA 1; plus strand). Cytogenetic location: 12p12.1.
Variant type: single nucleotide variant.
Coding change: c.112G>T on transcript NM_004982.4 (MANE Select); coding-DNA position 112, G replaced by T.
Protein change: p.Ala38Ser; replaces alanine 38 with serine.
Molecular consequence: missense variant.
Genome position (GRCh38, 1-based): chr12:21,773,505, C>A on the plus strand (G>T on the coding strand, the complement: KCNJ8 is on the minus strand). VCF-style: chr12-21773505-C-A. GRCh37 (hg19) VCF-style: chr12-21926439-C-A.
Other names: short protein forms A38S.
Identifiers: ClinVar variation 532107 (VCV000532107.8), dbSNP rs1555172510, ClinGen allele CA384132039.